The following is an entry in ClinVar:

ClinVar aggregate classification (germline): Likely benign (0 of 4 stars; one submission).

Conditions:
CTNNA2-related disorder. Also called: CTNNA2-related condition.

Allele frequency attached by ClinVar (database versions not stated): ExAC 0.00016; 1000 Genomes Project 0.00020; ESP Exome Variant Server 0.00032; gnomAD 0.00037; TOPMed 0.00045; 1000 Genomes Project 30x 0.00047.
gnomAD v4.1: 116 of 1,614,026 alleles (0.0072%); highest among the groups gnomAD compares: African/African-American, 0.13%; no homozygotes.

Submission:

PreventionGenetics, part of Exact Sciences
Classification: Likely benign for CTNNA2-related condition. Last evaluated: 2019-06-27. Review status: no assertion criteria provided. Collection method: clinical testing. Allele origin: germline.
Comment: This variant is classified as likely benign based on ACMG/AMP sequence variant interpretation guidelines (Richards et al. 2015 PMID: 25741868, with internal and published modifications).

NM_001282597.3(CTNNA2):c.963C>A (p.Ser321=)

Gene: CTNNA2 (catenin alpha 2; plus strand). Cytogenetic location: 2p12.
Variant type: single nucleotide variant.
Coding change: c.963C>A on transcript NM_001282597.3 (MANE Select); coding-DNA position 963, C replaced by A.
Protein change: p.Ser321=; no amino-acid change (serine 321 retained).
Molecular consequence: synonymous variant.
Genome position (GRCh38, 1-based): chr2:79,909,704, C>A. VCF-style: chr2-79909704-C-A. GRCh37 (hg19) VCF-style: chr2-80136830-C-A.
Other names: c.963C>A, p.Ser321= (NM_001164883.2, NM_001399737.1, NM_004389.4); c.1065C>A, p.Ser355= (NM_001282598.2).
Identifiers: ClinVar variation 3042960 (VCV003042960.2), dbSNP rs373147177, ClinGen allele CA1735188.